The following is an entry in ClinVar:

NM_002691.4(POLD1):c.2954-3C>G

Gene: POLD1 (DNA polymerase delta 1, catalytic subunit; plus strand). Cytogenetic location: 19q13.33.
Variant type: single nucleotide variant.
Coding change: c.2954-3C>G on transcript NM_002691.4 (MANE Select); 3 bases into the intron before coding-DNA position 2954, C replaced by G.
Molecular consequence: intron variant.
Genome position (GRCh38, 1-based): chr19:50,416,607, C>G. VCF-style: chr19-50416607-C-G. GRCh37 (hg19) VCF-style: chr19-50919864-C-G.
Other names: c.2954-3C>G (NM_001256849.1); c.3032-3C>G (NM_001308632.1).
Identifiers: ClinVar variation 2109839 (VCV002109839.4), dbSNP rs1601247220, ClinGen allele CA2580097837.

ClinVar aggregate classification (germline): Uncertain significance (1 of 4 stars; one submission).

Conditions:
POLD1-related polyposis and colorectal cancer syndrome (CRCS10). Also called: Colorectal cancer 10; COLORECTAL CANCER, SUSCEPTIBILITY TO, ON CHROMOSOME 19q; Colorectal cancer, susceptibility to, 10. Identifiers: Orphanet 220460, MedGen C2675481, MONDO:0012953, OMIM 612591.

Submission:

Labcorp Genetics (formerly Invitae), Labcorp
Classification: Uncertain significance for POLD1-related polyposis and colorectal cancer syndrome. Last evaluated: 2025-05-05. Review status: criteria provided, single submitter. Criteria: Invitae Variant Classification Sherloc (09022015). Collection method: clinical testing. Allele origin: germline.
Comment: This sequence change falls in intron 23 of the POLD1 gene. It does not directly change the encoded amino acid sequence of the POLD1 protein. It affects a nucleotide within the consensus splice site. This variant is not present in population databases (gnomAD no frequency). This variant has not been reported in the literature in individuals affected with POLD1-related conditions. ClinVar contains an entry for this variant (Variation ID: 2109839). Variants that disrupt the consensus splice site are a relatively common cause of aberrant splicing (PMID: 17576681, 9536098). Algorithms developed to predict the effect of sequence changes on RNA splicing suggest that this variant may disrupt the consensus splice site. In summary, the available evidence is currently insufficient to determine the role of this variant in disease. Therefore, it has been classified as a Variant of Uncertain Significance.

Literature cited by the submitters: PubMed 17576681; PubMed 9536098.